The following is an entry in ClinVar:

ClinVar aggregate classification (germline): Benign (1 of 4 stars; one submission).

Allele frequency attached by ClinVar (database versions not stated): 1000 Genomes Project 0.74121; 1000 Genomes Project 30x 0.74344; TOPMed 0.76230; gnomAD 0.78057.
gnomAD v4.1: 787,180 of 972,408 alleles (81%); highest among the groups gnomAD compares: Admixed American, 83%; 320,710 homozygotes.

Submission:

GeneDx
Classification: Benign. Last evaluated: 2018-06-15. Review status: criteria provided, single submitter. Criteria: GeneDx Variant Classification (06012015). Collection method: clinical testing. Allele origin: germline. Affected: yes.
Comment: This variant is considered likely benign or benign based on one or more of the following criteria: it is a conservative change, it occurs at a poorly conserved position in the protein, it is predicted to be benign by multiple in silico algorithms, and/or has population frequency not consistent with disease.

NM_001035.3(RYR2):c.6023-117T>C

Gene: RYR2 (ryanodine receptor 2; plus strand). Cytogenetic location: 1q43.
Variant type: single nucleotide variant.
Coding change: c.6023-117T>C on transcript NM_001035.3 (MANE Select); 117 bases into the intron before coding-DNA position 6023, T replaced by C.
Molecular consequence: intron variant.
Genome position (GRCh38, 1-based): chr1:237,625,544, T>C. VCF-style: chr1-237625544-T-C. GRCh37 (hg19) VCF-style: chr1-237788844-T-C.
Identifiers: ClinVar variation 671769 (VCV000671769.1), dbSNP rs571092, ClinGen allele CA15123311.
Genomic context (GRCh38, chr1:237,625,544, plus strand): 5'-GAGGCTGACCAGTGAATGTTATTTATGAGGGCTGGTAAGCAACATTGCTTAACTTAATGT[T>C]AGATGTTTTTGACATTGTTCTAAGTTGTGCATGAAAGAAATTACAAGGCCTCAGAATTAT-3'